The following is an entry in ClinVar:

NM_002734.5(PRKAR1A):c.215_226del (p.Gly72_Thr75del)

Gene: PRKAR1A (protein kinase cAMP-dependent type I regulatory subunit alpha; plus strand). Cytogenetic location: 17q24.2.
Variant type: Deletion.
Coding change: c.215_226del on transcript NM_002734.5 (MANE Select); coding-DNA positions 215 to 226, 12 bases deleted (GCACTCGTACAG).
Protein change: p.Gly72_Thr75del.
Molecular consequence: inframe deletion.
Genome position (GRCh38, 1-based): chr17:68,522,793-68,522,804, GCACTCGTACAG deleted; deleting any 12 consecutive bases within chr17:68,522,790-68,522,804 gives the same sequence; the c. name uses the placement nearest the transcript's 3' end. VCF-style (leftmost placement, unchanged base first): chr17-68522789-GCAGGCACTCGTA-G. GRCh37 (hg19) VCF-style: chr17-66518930-GCAGGCACTCGTA-G.
Other names: c.215_226del, p.Gly72_Thr75del (NM_001276289.2, NM_001276290.1, NM_001278433.2 and 4 more transcripts).
Identifiers: ClinVar variation 1786734 (VCV001786734.4), dbSNP rs2509398520, ClinGen allele CA2580095035.

ClinVar aggregate classification (germline): Uncertain significance. Review status: criteria provided, multiple submitters, no conflicts (2 of 4 stars). 2 submissions from 2 submitters: Uncertain significance (2). Last evaluated 2024-10-16.

Conditions:
Hereditary cancer-predisposing syndrome. Also called: Neoplastic Syndromes, Hereditary; Tumor predisposition; Hereditary Cancer Syndrome; Hereditary neoplastic syndrome. Identifiers: Orphanet 140162, MedGen C0027672, MeSH D009386, MONDO:0015356.
Carney complex, type 1 (CNC1). Also called: CARNEY MYXOMA-ENDOCRINE COMPLEX; CARNEY COMPLEX, TYPE I. Identifiers: Orphanet 1359, MedGen C2607929, MONDO:0008057, OMIM 160980.

Submissions (2):

Labcorp Genetics (formerly Invitae), Labcorp
Classification: Uncertain significance for Carney complex, type 1. Last evaluated: 2024-10-16. Review status: criteria provided, single submitter. Criteria: Invitae Variant Classification Sherloc (09022015). Collection method: clinical testing. Allele origin: germline.
Comment: This variant, c.215_226del, results in the deletion of 4 amino acid(s) of the PRKAR1A protein (p.Gly72_Thr75del), but otherwise preserves the integrity of the reading frame. This variant is not present in population databases (gnomAD no frequency). This variant has not been reported in the literature in individuals affected with PRKAR1A-related conditions. ClinVar contains an entry for this variant (Variation ID: 1786734). In summary, the available evidence is currently insufficient to determine the role of this variant in disease. Therefore, it has been classified as a Variant of Uncertain Significance.

Ambry Genetics
Classification: Uncertain significance for Hereditary cancer-predisposing syndrome. Last evaluated: 2022-10-28. Review status: criteria provided, single submitter. Criteria: Ambry Variant Classification Scheme 2023. Collection method: clinical testing. Allele origin: germline.
Comment: The c.215_226del12 variant (also known as p.G72_T75del) is located in coding exon 2 of the PRKAR1A gene. This variant results from an in-frame deletion of 12 nucleotides at positions 215 to 226. This results in the in-frame deletion of 4 amino acids (GTRT) at codons 72 to 75. These amino acid positions are not well conserved in available vertebrate species. In addition, the in silico prediction for this alteration is inconclusive (Choi Y et al. PLoS ONE. 2012; 7(10):e46688). Since supporting evidence is limited at this time, the clinical significance of this alteration remains unclear.